The following is an entry in ClinVar:

NM_000059.4(BRCA2):c.8601dup (p.Lys2868Ter)

Gene: BRCA2 (BRCA2 DNA repair associated; plus strand). Cytogenetic location: 13q13.1.
Variant type: Duplication.
Coding change: c.8601dup on transcript NM_000059.4 (MANE Select); coding-DNA position 8601, one base duplicated (T; older notation c.8601dupT).
Protein change: p.Lys2868Ter; replaces lysine 2868 with a stop codon.
Molecular consequence: nonsense.
Genome position (GRCh38, 1-based): chr13:32,371,069, T duplicated. VCF-style (leftmost placement, unchanged base first): chr13-32371068-C-CT. GRCh37 (hg19) VCF-style: chr13-32945205-C-CT.
Other names: c.8601dupT (NM_000059.3); short protein forms K2868*.
Identifiers: ClinVar variation 52633 (VCV000052633.3), dbSNP rs397507995, ClinGen allele CA025731.

ClinVar aggregate classification (germline): Pathogenic. Review status: reviewed by expert panel (3 of 4 stars). 2 submissions from 2 submitters: Pathogenic (1). 1 of the submissions does not count toward it. Last evaluated 2017-12-15.

Conditions:
Familial cancer of breast. Also called: BREAST CANCER, FAMILIAL; Hereditary breast cancer; hereditary breast carcinoma. Identifiers: Orphanet 227535, MedGen C0346153, MONDO:0016419, OMIM 114480. Disease mechanism: loss of function.
Breast-ovarian cancer, familial, susceptibility to, 2 (BROVCA2). Also called: BRCA2 Hereditary Breast and Ovarian Cancer. Identifiers: Orphanet 145, MedGen C2675520, MONDO:0012933, OMIM 612555. Disease mechanism: loss of function.

Submissions (2):

Evidence-based Network for the Interpretation of Germline Mutant Alleles (ENIGMA)
Classification: Pathogenic for Breast-ovarian cancer, familial, susceptibility to, 2. Last evaluated: 2017-12-15. Review status: reviewed by expert panel. Criteria: ENIGMA BRCA1/2 Classification Criteria (2017-06-29). Collection method: curation. Allele origin: germline. Study: ENIGMA.
Comment: Variant allele predicted to encode a truncated non-functional protein.

ClinVar Staff, National Center for Biotechnology Information (NCBI)
No classification provided. Condition: Familial cancer of breast. Review status: no classification provided. Collection method: literature only. Allele origin: germline. Affected: yes. Not counted in ClinVar's aggregate classification.

Literature cited by the submitters: PubMed 22762150 (cited by ClinVar Staff, National Center for Biotechnology Information (NCBI)).